The following is an entry in ClinVar:

NM_006059.4(LAMC3):c.1229G>A (p.Trp410Ter)

Gene: LAMC3 (laminin subunit gamma 3; plus strand). Cytogenetic location: 9q34.12.
Variant type: single nucleotide variant.
Coding change: c.1229G>A on transcript NM_006059.4 (MANE Select); coding-DNA position 1229, G replaced by A.
Protein change: p.Trp410Ter; replaces tryptophan 410 with a stop codon.
Molecular consequence: nonsense.
Genome position (GRCh38, 1-based): chr9:131,039,194, G>A. VCF-style: chr9-131039194-G-A. GRCh37 (hg19) VCF-style: chr9-133914581-G-A.
Other names: short protein forms W410*.
Identifiers: ClinVar variation 3724063 (VCV003724063.2).

ClinVar aggregate classification (germline): Pathogenic (1 of 4 stars; one submission).

gnomAD v4.1: 1 of 1,609,552 alleles (0.000062%); highest among the groups gnomAD compares: Non-Finnish European, 0.000085%; no homozygotes.

Submission:

Labcorp Genetics (formerly Invitae), Labcorp
Classification: Pathogenic. Last evaluated: 2024-10-30. Review status: criteria provided, single submitter. Criteria: Invitae Variant Classification Sherloc (09022015). Collection method: clinical testing. Allele origin: germline.
Comment: This sequence change creates a premature translational stop signal (p.Trp410*) in the LAMC3 gene. It is expected to result in an absent or disrupted protein product. Loss-of-function variants in LAMC3 are known to be pathogenic (PMID: 21572413, 26802095). This variant is not present in population databases (gnomAD no frequency). This variant has not been reported in the literature in individuals affected with LAMC3-related conditions. Algorithms developed to predict the effect of sequence changes on RNA splicing suggest that this variant may disrupt the consensus splice site. For these reasons, this variant has been classified as Pathogenic.

Literature cited by the submitters: PubMed 21572413; PubMed 26802095.